The following is an entry in ClinVar:

ClinVar aggregate classification (germline): Likely benign. Review status: criteria provided, single submitter (1 of 4 stars). 2 submissions from 2 submitters: Likely benign (1). 1 of the submissions does not count toward it. Last evaluated 2022-03-01.

Conditions:
ICAM1-related disorder. Also called: ICAM1-related condition.

Allele frequency attached by ClinVar (database versions not stated): gnomAD exomes 0.00009; TOPMed 0.00011; ExAC 0.00007; ESP Exome Variant Server 0.00008; gnomAD 0.00009.
gnomAD v4.1: 145 of 1,613,940 alleles (0.009%); highest among the groups gnomAD compares: Non-Finnish European, 0.012%; no homozygotes.

Submissions (2):

CeGaT Center for Human Genetics Tuebingen
Classification: Likely benign. Last evaluated: 2022-03-01. Review status: criteria provided, single submitter. Criteria: CeGaT Center For Human Genetics Tuebingen Variant Classification Criteria Version 2. Collection method: clinical testing. Allele origin: germline. Affected: yes. Observed: 1 variant allele.
Comment: ICAM1: BP4

PreventionGenetics, part of Exact Sciences
Classification: Likely benign for ICAM1-related condition. Last evaluated: 2019-08-21. Review status: no assertion criteria provided. Collection method: clinical testing. Allele origin: germline. Not counted in ClinVar's aggregate classification.
Comment: This variant is classified as likely benign based on ACMG/AMP sequence variant interpretation guidelines (Richards et al. 2015 PMID: 25741868, with internal and published modifications).

NM_000201.3(ICAM1):c.1427-6C>T

Gene: ICAM1 (intercellular adhesion molecule 1; plus strand). Cytogenetic location: 19p13.2.
Variant type: single nucleotide variant.
Coding change: c.1427-6C>T on transcript NM_000201.3 (MANE Select); 6 bases into the intron before coding-DNA position 1427, C replaced by T.
Molecular consequence: intron variant.
Genome position (GRCh38, 1-based): chr19:10,285,109, C>T. VCF-style: chr19-10285109-C-T. GRCh37 (hg19) VCF-style: chr19-10395785-C-T.
Other names: c.1427-6C>T (NM_000201.2).
Identifiers: ClinVar variation 2649291 (VCV002649291.25), dbSNP rs376045646, ClinGen allele CA9190107.